The following is an entry in ClinVar:

ClinVar aggregate classification (germline): Uncertain significance. Review status: criteria provided, multiple submitters, no conflicts (2 of 4 stars). 2 submissions from 2 submitters: Uncertain significance (2). Last evaluated 2025-09-03.

Conditions:
Growth hormone insensitivity with immune dysregulation 1, autosomal recessive. Also called: GROWTH HORMONE INSENSITIVITY SYNDROME WITH IMMUNE DYSREGULATION 1, AUTOSOMAL RECESSIVE; Laron syndrome with immunodeficiency; GROWTH HORMONE INSENSITIVITY DUE TO POSTRECEPTOR DEFECT; LARON SYNDROME DUE TO POSTRECEPTOR DEFECT. Identifiers: Orphanet 220465, MedGen C5435698, MONDO:0100211, OMIM 245590.

gnomAD v4.1: 31 of 1,614,036 alleles (0.0019%); highest among the groups gnomAD compares: African/African-American, 0.015%; no homozygotes.

Submissions (2):

Labcorp Genetics (formerly Invitae), Labcorp
Classification: Uncertain significance for Growth hormone insensitivity with immune dysregulation 1, autosomal recessive. Last evaluated: 2025-09-03. Review status: criteria provided, single submitter. Criteria: Invitae Variant Classification Sherloc (09022015). Collection method: clinical testing. Allele origin: germline.
Comment: This sequence change replaces arginine, which is basic and polar, with glutamine, which is neutral and polar, at codon 152 of the STAT5B protein (p.Arg152Gln). This variant is present in population databases (rs149614939, gnomAD 0.04%). This variant has not been reported in the literature in individuals affected with STAT5B-related conditions. ClinVar contains an entry for this variant (Variation ID: 3665403). Invitae Evidence Modeling of protein sequence and biophysical properties (such as structural, functional, and spatial information, amino acid conservation, physicochemical variation, residue mobility, and thermodynamic stability) indicates that this missense variant is not expected to disrupt STAT5B protein function with a negative predictive value of 80%. In summary, the available evidence is currently insufficient to determine the role of this variant in disease. Therefore, it has been classified as a Variant of Uncertain Significance.

Blueprint Genetics
Classification: Uncertain significance. Last evaluated: 2022-09-01. Review status: criteria provided, single submitter. Criteria: ACMG Guidelines, 2015. Collection method: clinical testing. Allele origin: germline.

NM_012448.4(STAT5B):c.455G>A (p.Arg152Gln)

Gene: STAT5B (signal transducer and activator of transcription 5B; minus strand). Cytogenetic location: 17q21.2.
Variant type: single nucleotide variant.
Coding change: c.455G>A on transcript NM_012448.4 (MANE Select); coding-DNA position 455, G replaced by A.
Protein change: p.Arg152Gln; replaces arginine 152 with glutamine.
Molecular consequence: missense variant.
Genome position (GRCh38, 1-based): chr17:42,223,477, C>T on the plus strand (G>A on the coding strand, the complement: STAT5B is on the minus strand). VCF-style: chr17-42223477-C-T. GRCh37 (hg19) VCF-style: chr17-40375495-C-T.
Other names: short protein forms R152Q.
Identifiers: ClinVar variation 3665403 (VCV003665403.3).
Genomic context (GRCh38, chr17:42,223,477, plus strand): 5'-AAGTACTCCTGAGTCTGCTGCAGCTTTTTTAACTCATTCTCTGTGTCCTGCGTGACCAGT[C>T]GCAGCTCCTCAAACGTCTGGTTGATCTGGAGGTGTTTCTGGGACATGGCATCAGCAAGGC-3'
Protein context (NP_036580.2, residues 142-162): LQINQTFEEL[Arg152Gln]LVTQDTENEL